The following is an entry in ClinVar:

ClinVar aggregate classification (germline): Uncertain significance (1 of 4 stars; one submission).

Conditions:
Norman-Roberts syndrome (LIS2). Also called: Lissencephaly 2 (Norman-Roberts type). Identifiers: Orphanet 89844, MedGen C0796089, MONDO:0009760, OMIM 257320.
Familial temporal lobe epilepsy 7. Identifiers: Orphanet 101046, MedGen C4225327, MONDO:0014639, OMIM 616436.

Submission:

Labcorp Genetics (formerly Invitae), Labcorp
Classification: Uncertain significance for Familial temporal lobe epilepsy 7; Norman-Roberts syndrome. Last evaluated: 2022-05-29. Review status: criteria provided, single submitter. Criteria: Invitae Variant Classification Sherloc (09022015). Collection method: clinical testing. Allele origin: germline.
Comment: This variant has not been reported in the literature in individuals affected with RELN-related conditions. This variant is not present in population databases (gnomAD no frequency). Algorithms developed to predict the effect of missense changes on protein structure and function are either unavailable or do not agree on the potential impact of this missense change (SIFT: "Deleterious"; PolyPhen-2: "Probably Damaging"; Align-GVGD: "Class C0"). In summary, the available evidence is currently insufficient to determine the role of this variant in disease. Therefore, it has been classified as a Variant of Uncertain Significance. This sequence change replaces histidine, which is basic and polar, with tyrosine, which is neutral and polar, at codon 1657 of the RELN protein (p.His1657Tyr).

NM_005045.4(RELN):c.4969C>T (p.His1657Tyr)

Gene: RELN (reelin; minus strand). Cytogenetic location: 7q22.1.
Variant type: single nucleotide variant.
Coding change: c.4969C>T on transcript NM_005045.4 (MANE Select); coding-DNA position 4969, C replaced by T.
Protein change: p.His1657Tyr; replaces histidine 1657 with tyrosine.
Molecular consequence: missense variant.
Genome position (GRCh38, 1-based): chr7:103,565,519, G>A on the plus strand (C>T on the coding strand, the complement: RELN is on the minus strand). VCF-style: chr7-103565519-G-A. GRCh37 (hg19) VCF-style: chr7-103205966-G-A.
Other names: c.4969C>T, p.His1657Tyr (NM_173054.3); short protein forms H1657Y.
Identifiers: ClinVar variation 2000532 (VCV002000532.4), dbSNP rs2484741532, ClinGen allele CA368746732.